The following is an entry in ClinVar:

ClinVar aggregate classification (germline): Uncertain significance (1 of 4 stars; one submission).

Conditions:
Inborn genetic diseases. Identifiers: MedGen C0950123, MeSH D030342.

gnomAD v4.1: 1 of 1,613,238 alleles (0.000062%); highest among the groups gnomAD compares: African/African-American, 0.0013%; no homozygotes.

Submission:

Ambry Genetics
Classification: Uncertain significance for Inborn genetic diseases. Last evaluated: 2025-04-11. Review status: criteria provided, single submitter. Criteria: Ambry Variant Classification Scheme 2023. Collection method: clinical testing. Allele origin: germline.
Comment: The p.V749F variant (also known as c.2245G>T), located in coding exon 13 of the FANCM gene, results from a G to T substitution at nucleotide position 2245. The valine at codon 749 is replaced by phenylalanine, an amino acid with highly similar properties. This amino acid position is conserved. In addition, this alteration is predicted to be tolerated by in silico analysis. Based on the available evidence, the clinical significance of this variant remains unclear.

NM_020937.4(FANCM):c.2245G>T (p.Val749Phe)

Gene: FANCM (FA complementation group M; plus strand). Cytogenetic location: 14q21.2.
Variant type: single nucleotide variant.
Coding change: c.2245G>T on transcript NM_020937.4 (MANE Select); coding-DNA position 2245, G replaced by T.
Protein change: p.Val749Phe; replaces valine 749 with phenylalanine.
Molecular consequence: missense variant.
Genome position (GRCh38, 1-based): chr14:45,173,139, G>T. VCF-style: chr14-45173139-G-T. GRCh37 (hg19) VCF-style: chr14-45642342-G-T.
Other names: c.2167G>T, p.Val723Phe (NM_001308133.2); short protein forms V749F, V723F.
Identifiers: ClinVar variation 4022680 (VCV004022680.1).